The following is an entry in ClinVar:

NM_005633.4(SOS1):c.806T>A (p.Met269Lys)

Gene: SOS1 (SOS Ras/Rac guanine nucleotide exchange factor 1; minus strand). Cytogenetic location: 2p22.1.
Variant type: single nucleotide variant.
Coding change: c.806T>A on transcript NM_005633.4 (MANE Select); coding-DNA position 806, T replaced by A.
Protein change: p.Met269Lys; replaces methionine 269 with lysine.
Molecular consequence: missense variant.
Genome position (GRCh38, 1-based): chr2:39,051,202, A>T on the plus strand (T>A on the coding strand, the complement: SOS1 is on the minus strand). VCF-style: chr2-39051202-A-T. GRCh37 (hg19) VCF-style: chr2-39278343-A-T.
Other names: c.785T>A, p.Met262Lys (NM_001382394.1); c.806T>A, p.Met269Lys (NM_001382395.1); short protein forms M262K, M269K.
Identifiers: ClinVar variation 3377020 (VCV003377020.3).

ClinVar aggregate classification (germline): Likely pathogenic. Review status: criteria provided, multiple submitters, no conflicts (2 of 4 stars). 3 submissions from 3 submitters: Likely pathogenic (3). Last evaluated 2026-03-30.

Conditions:
Noonan syndrome 4 (NS4). Also called: SOS1-Related Noonan Syndrome; NOONAN SYNDROME WITH PIGMENTED VILLONODULAR SYNOVITIS. Identifiers: Orphanet 648, MedGen C1853120, MONDO:0012547, OMIM 610733.
Fibromatosis, gingival, 1 (GINGF1). Identifiers: Orphanet 2024, MedGen C4551558, MONDO:0007609, OMIM 135300.

Submissions (3):

Clinical Genomics Laboratory, Washington University in St. Louis
Classification: Likely pathogenic for Noonan syndrome 4. Last evaluated: 2026-03-30. Review status: criteria provided, single submitter. Criteria: Leon-Quintero et al. (Clin Genet. 2025). Collection method: clinical testing. Allele origin: somatic. Affected: yes.
Comment: A SOS1 c.806T>A (p.Met269Lys) variant was identified at an allelic fraction consistent with somatic origin. The SOS1 c.806T>A (p.Met269Lys) variant, to our knowledge, has not been reported in the medical literature but has been reported in the ClinVar database as a germline likely pathogenic variant in Noonan syndrome by one submitter (ClinVar ID: 3377020). This variant is absent from the general population (gnomAD v4.1.0), indicating it is not a common variant. Computational predictors indicate that the variant is damaging, evidence that correlates with impact to SOS1 function. Oher variants in the same codon, c.806T>C (p.Met269Thr), c.807G>C (p.Met269Ile), c.805A>G (p.Met269Val) and c.806T>G (p.Met269Arg) have been reported in the germline state in multiple individuals affected with Noonan syndrome and are considered pathogenic/ likely pathogenic (Zenker M et al., PMID 17586837; Denayer E et al., PMID: 19953625; Longoni M et al., PMID: 20683980; Tartaglia M et al., PMID: 17143282; Roberts A et al., PMID: 17143285; ClinVar Variation ID: 40662, 3777446, 981559 and 12870). Based on the available information and an internally developed protocol informed by the ACMG/AMP guidelines for variant interpretation and gene-specific practices from the ClinGen Criteria Specification Registry (Leon-Quintero FZ et al., PMID: 39434542), the SOS1 c.806T>A (p.Met269Lys) variant is classified as likely pathogenic.

Victorian Clinical Genetics Services, Murdoch Childrens Research Institute
Classification: Likely pathogenic for Noonan syndrome 4. Last evaluated: 2024-10-10. Review status: criteria provided, single submitter. Criteria: ACMG Guidelines, 2015. Collection method: clinical testing. Allele origin: germline. Inheritance: Autosomal dominant inheritance. Affected: yes.
Comment: Based on the classification scheme VCGS_Germline_v1.3.5, this variant is classified as Likely pathogenic. Following criteria are met: 0101 - Gain of function is a known mechanism of disease in this gene and is associated with Noonan syndrome 4 (MIM#610733) (PMID: 17143285). (I) 0107 - This gene is associated with autosomal dominant disease. (I) 0115 - Variants in this gene are known to have variable expressivity (PMID: 20301303). (I) 0200 - Variant is predicted to result in a missense amino acid change from methionine to lysine. (I) 0251 - This variant is heterozygous. (I) 0301 - Variant is absent from gnomAD (v2, v3 and v4). (SP) 0309 - Multiple alternative amino acid changes at the same position have been observed in gnomAD (v4) (highest allele count: 4 heterozygotes, 0 homozygotes). (I) 0502 - Missense variant with conflicting in silico predictions and very high conservation. (I) 0600 - Variant is located in the annotated RhoGEF domain (DECIPHER). (I) 0701 - Other missense variants comparable to the one identified in this case have very strong previous evidence for pathogenicity. Two alternative changes, p.(Met269Thr) and p.(Met269Arg), have been classified as pathogenic by multiple clinical laboratories in ClinVar; p.(Met269Thr) has also been reviewed as pathogenic by an expert panel. p.(Met269Val) has been classified as likely pathogenic and as a VUS by clinical laboratories in ClinVar. (SP) 0807 - This variant has no previous evidence of pathogenicity. (I) 0905 - No published segregation evidence has been identified for this variant. (I) 1007 - No published functional evidence has been identified for this variant. (I) 1208 - Inheritance information for this variant is not currently available in this individual. (I) Legend: (SP) - Supporting pathogenic, (I) - Information, (SB) - Supporting benign

Juno Genomics, Hangzhou Juno Genomics, Inc
Classification: Likely pathogenic for Fibromatosis, gingival, 1; Noonan syndrome 4. Review status: criteria provided, single submitter. Criteria: ACMG Guidelines, 2015. Collection method: clinical testing. Allele origin: germline. Affected: yes.
Comment: Absent from controls (or at extremely low frequency if recessive) in Genome Aggregation Database.;De novo (both maternity and paternity confirmed) in a patient with the disease and no family history.;Novel missense change at an amino acid residue where a different missense change determined to be pathogenic has been seen before.;Multiple lines of computational evidence support a deleterious effect on the gene or gene product.

Literature cited by the submitters: PubMed 17143285 (cited by Victorian Clinical Genetics Services, Murdoch Childrens Research Institute); PubMed 20301303 (cited by Victorian Clinical Genetics Services, Murdoch Childrens Research Institute).